The following is an entry in ClinVar:

NM_206943.4(LTBP1):c.825G>A (p.Pro275=)

Gene: LTBP1 (latent transforming growth factor beta binding protein 1; plus strand). Cytogenetic location: 2p22.3.
Variant type: single nucleotide variant.
Coding change: c.825G>A on transcript NM_206943.4 (MANE Select); coding-DNA position 825, G replaced by A.
Protein change: p.Pro275=; no amino-acid change (proline 275 retained).
Molecular consequence: synonymous variant.
Genome position (GRCh38, 1-based): chr2:33,021,168, G>A. VCF-style: chr2-33021168-G-A. GRCh37 (hg19) VCF-style: chr2-33246235-G-A.
Other names: c.825G>A, p.Pro275= (NM_001394905.1).
Identifiers: ClinVar variation 3388070 (VCV003388070.14).

ClinVar aggregate classification (germline): Likely benign (1 of 4 stars; one submission).

gnomAD v4.1: 91 of 1,609,048 alleles (0.0057%); highest among the groups gnomAD compares: Admixed American, 0.018%; no homozygotes.

Submission:

CeGaT Center for Human Genetics Tuebingen
Classification: Likely benign. Last evaluated: 2024-11-01. Review status: criteria provided, single submitter. Criteria: CeGaT Center For Human Genetics Tuebingen Variant Classification Criteria Version 2. Collection method: clinical testing. Allele origin: germline. Affected: yes. Observed: 1 variant allele.
Comment: LTBP1: BP4, BP7